The following is an entry in ClinVar:

ClinVar aggregate classification (germline): Uncertain significance (1 of 4 stars; one submission).

Allele frequency attached by ClinVar (database versions not stated): gnomAD exomes below 0.00001.
gnomAD v4.1: 2 of 1,613,446 alleles (0.00012%); highest among the groups gnomAD compares: East Asian, 0.0022%; no homozygotes.

Submission:

GeneDx
Classification: Uncertain significance. Last evaluated: 2014-12-05. Review status: criteria provided, single submitter. Criteria: GeneDx Variant Classification (06012015). Collection method: clinical testing. Allele origin: germline. Affected: yes.
Comment: Missense variants in the TTN gene are considered 'unclassified' if they are not previously reported in the literature and do not have >1% frequency in the population to be considered a polymorphism. Research indicates that truncating mutations in the TTN gene are expected to account for approximately 25% of familial and 18% of sporadic idiopathic DCM; however, truncating variants in the TTN gene have been reported in approximately 3% of reported control alleles. There has been little investigation into non-truncating variants. (Herman D et al. Truncations of titin causing dilated cardiomyopathy. N Eng J Med 366:619-628, 2012) The variant is found in CARDIOMYOPATHY panel(s).

NM_001267550.2(TTN):c.6826A>G (p.Ile2276Val)

Genes: TTN (titin; minus strand), LOC126806433 (BRD4-independent group 4 enhancer GRCh37_chr2:179638309-179639508; plus strand). Cytogenetic location: 2q31.2.
Variant type: single nucleotide variant.
Coding change: c.6826A>G on transcript NM_001267550.2 (MANE Select); coding-DNA position 6826, A replaced by G.
Protein change: p.Ile2276Val; replaces isoleucine 2276 with valine.
Molecular consequence: missense variant.
Genome position (GRCh38, 1-based): chr2:178,774,438, T>C on the plus strand (A>G on the coding strand, the complement: TTN is on the minus strand). VCF-style: chr2-178774438-T-C. GRCh37 (hg19) VCF-style: chr2-179639165-T-C.
Other names: p.I2276V:ATA>GTA; c.6826A>G, p.Ile2276Val (NM_001256850.1, NM_133378.4, NM_133379.5); c.6688A>G, p.Ile2230Val (NM_003319.4, NM_133432.3, NM_133437.4); short protein forms I2276V, I2230V.
Identifiers: ClinVar variation 203148 (VCV000203148.2), dbSNP rs794729578, ClinGen allele CA311444.